The following is an entry in ClinVar:

ClinVar aggregate classification (germline): Likely benign. Review status: criteria provided, single submitter (1 of 4 stars). 2 submissions from 2 submitters: Likely benign (1). 1 of the submissions does not count toward it. Last evaluated 2018-01-13.

Conditions:
TGFBI-related disorder. Also called: TGFBI-related condition.
Corneal dystrophy. Identifiers: Orphanet 34533, MedGen C0010036, MONDO:0018102, HP:0001131.

Allele frequency attached by ClinVar (database versions not stated): gnomAD below 0.00001 and 0.00028; TOPMed 0.00005; gnomAD exomes 0.00049 and 0.00089; ExAC 0.00095; 1000 Genomes Project 30x 0.00234; 1000 Genomes Project 0.00240.
gnomAD v4.1: 760 of 1,613,762 alleles (0.047%); highest among the groups gnomAD compares: South Asian, 0.75%; 12 homozygotes.

Submissions (2):

Illumina Laboratory Services, Illumina
Classification: Likely benign for Corneal dystrophy. Last evaluated: 2018-01-13. Review status: criteria provided, single submitter. Criteria: ICSL Variant Classification Criteria 13 December 2019. Collection method: clinical testing. Allele origin: germline.
Comment: This variant was observed in the ICSL laboratory as part of a predisposition screen in an ostensibly healthy population. It had not been previously curated by ICSL or reported in the Human Gene Mutation Database (HGMD: prior to June 1st, 2018), and was therefore a candidate for classification through an automated scoring system. Utilizing variant allele frequency, disease prevalence and penetrance estimates, and inheritance mode, an automated score was calculated to assess if this variant is too frequent to cause the disease. Based on the score and internal cut-off values, a variant classified as likely benign is not then subjected to further curation. The score for this variant resulted in a classification of likely benign for this disease.

PreventionGenetics, part of Exact Sciences
Classification: Benign for TGFBI-related condition. Last evaluated: 2019-05-28. Review status: no assertion criteria provided. Collection method: clinical testing. Allele origin: germline. Not counted in ClinVar's aggregate classification.
Comment: This variant is classified as benign based on ACMG/AMP sequence variant interpretation guidelines (Richards et al. 2015 PMID: 25741868, with internal and published modifications).

NM_000358.3(TGFBI):c.1584G>A (p.Thr528=)

Gene: TGFBI (transforming growth factor beta induced; plus strand). Cytogenetic location: 5q31.1.
Variant type: single nucleotide variant.
Coding change: c.1584G>A on transcript NM_000358.3 (MANE Select); coding-DNA position 1584, G replaced by A.
Protein change: p.Thr528=; no amino-acid change (threonine 528 retained).
Molecular consequence: synonymous variant.
Genome position (GRCh38, 1-based): chr5:136,056,701, G>A. VCF-style: chr5-136056701-G-A. GRCh37 (hg19) VCF-style: chr5-135392390-G-A.
Identifiers: ClinVar variation 350892 (VCV000350892.7), dbSNP rs552261238, ClinGen allele CA3420462.